The following is an entry in ClinVar:

ClinVar aggregate classification (germline): Pathogenic (1 of 4 stars; one submission).

Submission:

Labcorp Genetics (formerly Invitae), Labcorp
Classification: Pathogenic. Last evaluated: 2022-12-21. Review status: criteria provided, single submitter. Criteria: Invitae Variant Classification Sherloc (09022015). Collection method: clinical testing. Allele origin: germline.
Comment: This sequence change creates a premature translational stop signal (p.Phe658Serfs*5) in the KIF11 gene. It is expected to result in an absent or disrupted protein product. Loss-of-function variants in KIF11 are known to be pathogenic (PMID: 22284827, 24281367). For these reasons, this variant has been classified as Pathogenic. ClinVar contains an entry for this variant (Variation ID: 1444687). This variant has not been reported in the literature in individuals affected with KIF11-related conditions. This variant is not present in population databases (gnomAD no frequency).

Literature cited by the submitters: PubMed 22284827; PubMed 24281367.

NM_004523.4(KIF11):c.1973del (p.Phe658fs)

Gene: KIF11 (kinesin family member 11; plus strand). Cytogenetic location: 10q23.33.
Variant type: Deletion.
Coding change: c.1973del on transcript NM_004523.4 (MANE Select); coding-DNA position 1973, one base deleted (T; older notation c.1973delT).
Protein change: p.Phe658fs; shifts the reading frame from phenylalanine 658.
Molecular consequence: frameshift variant.
Genome position (GRCh38, 1-based): chr10:92,637,281, T deleted; the last of 4 consecutive T bases (chr10:92,637,278-92,637,281); deleting any one gives the same sequence. VCF-style (leftmost placement, unchanged base first): chr10-92637277-AT-A. GRCh37 (hg19) VCF-style: chr10-94397034-AT-A.
Other names: short protein forms F658fs.
Identifiers: ClinVar variation 1444687 (VCV001444687.6), dbSNP rs2135919112, ClinGen allele CA2573145835.